The following is an entry in ClinVar:

ClinVar aggregate classification (germline): Conflicting classifications of pathogenicity. Review status: criteria provided, conflicting classifications (1 of 4 stars). 2 submissions from 2 submitters: Uncertain significance (1); Likely benign (1). Last evaluated 2023-09-08.

Allele frequency attached by ClinVar (database versions not stated): ExAC 0.00001; gnomAD 0.00001; gnomAD exomes 0.00001; TOPMed 0.00002.
gnomAD v4.1: 13 of 1,612,776 alleles (0.00081%); highest among the groups gnomAD compares: South Asian, 0.0033%; no homozygotes.

Submissions (2):

Labcorp Genetics (formerly Invitae), Labcorp
Classification: Likely benign. Last evaluated: 2023-09-08. Review status: criteria provided, single submitter. Criteria: Invitae Variant Classification Sherloc (09022015). Collection method: clinical testing. Allele origin: germline.

Athena Diagnostics
Classification: Uncertain significance. Last evaluated: 2023-03-02. Review status: criteria provided, single submitter. Criteria: Athena Diagnostics Criteria. Collection method: clinical testing. Allele origin: unknown.
Comment: Available data are insufficient to determine the clinical significance of the variant at this time. The frequency of this variant in the general population is uninformative in assessment of its pathogenicity. Computational tools predict that this variant is not damaging.

NM_006946.4(SPTBN2):c.6284G>A (p.Arg2095Gln)

Gene: SPTBN2 (spectrin beta, non-erythrocytic 2; minus strand). Cytogenetic location: 11q13.2.
Variant type: single nucleotide variant.
Coding change: c.6284G>A on transcript NM_006946.4 (MANE Select); coding-DNA position 6284, G replaced by A.
Protein change: p.Arg2095Gln; replaces arginine 2095 with glutamine.
Molecular consequence: missense variant.
Genome position (GRCh38, 1-based): chr11:66,688,259, C>T on the plus strand (G>A on the coding strand, the complement: SPTBN2 is on the minus strand). VCF-style: chr11-66688259-C-T. GRCh37 (hg19) VCF-style: chr11-66455730-C-T.
Other names: c.6305G>A, p.Arg2102Gln (NM_001411025.1); short protein forms R2095Q, R2102Q.
Identifiers: ClinVar variation 2684355 (VCV002684355.4), dbSNP rs774653711, ClinGen allele CA6127989.